The following is an entry in ClinVar:

NM_024529.5(CDC73):c.424-5T>G

Gene: CDC73 (cell division cycle 73; plus strand). Cytogenetic location: 1q31.2.
Variant type: single nucleotide variant.
Coding change: c.424-5T>G on transcript NM_024529.5 (MANE Select); 5 bases into the intron before coding-DNA position 424, T replaced by G.
Molecular consequence: intron variant.
Genome position (GRCh38, 1-based): chr1:193,138,080, T>G. VCF-style: chr1-193138080-T-G. GRCh37 (hg19) VCF-style: chr1-193107210-T-G.
Identifiers: ClinVar variation 4764071 (VCV004764071.1).

ClinVar aggregate classification (germline): Uncertain significance (1 of 4 stars; one submission).

Conditions:
Parathyroid carcinoma (PRTC). Also called: CDC73-Related Parathyroid Carcinoma; Parathyroid gland carcinoma. Identifiers: Orphanet 143, MedGen C0687150, MONDO:0012004, OMIM 608266, HP:0006780.

Submission:

Labcorp Genetics (formerly Invitae), Labcorp
Classification: Uncertain significance for Parathyroid carcinoma. Last evaluated: 2025-03-03. Review status: criteria provided, single submitter. Criteria: Invitae Variant Classification Sherloc (09022015). Collection method: clinical testing. Allele origin: germline.
Comment: This sequence change falls in intron 5 of the CDC73 gene. It does not directly change the encoded amino acid sequence of the CDC73 protein. This variant is not present in population databases (gnomAD no frequency). This variant has not been reported in the literature in individuals affected with CDC73-related conditions. Studies have shown that this variant is associated with inconclusive levels of altered splicing (internal data). In summary, the available evidence is currently insufficient to determine the role of this variant in disease. Therefore, it has been classified as a Variant of Uncertain Significance.